The following is an entry in ClinVar:

NM_022552.5(DNMT3A):c.93G>A (p.Glu31=)

Gene: DNMT3A (DNA methyltransferase 3 alpha; minus strand). Cytogenetic location: 2p23.3.
Variant type: single nucleotide variant.
Coding change: c.93G>A on transcript NM_022552.5 (MANE Select); coding-DNA position 93, G replaced by A.
Protein change: p.Glu31=; no amino-acid change (glutamic acid 31 retained).
Molecular consequence: synonymous variant. On other transcripts: non-coding transcript variant (1).
Genome position (GRCh38, 1-based): chr2:25,300,223, C>T on the plus strand (G>A on the coding strand, the complement: DNMT3A is on the minus strand). VCF-style: chr2-25300223-C-T. GRCh37 (hg19) VCF-style: chr2-25523092-C-T.
Other names: c.93G>A, p.Glu31= (NM_001320892.2, NM_175629.2, NM_175630.1).
Identifiers: ClinVar variation 3354954 (VCV003354954.1).

ClinVar aggregate classification (germline): Likely benign (0 of 4 stars; one submission).

Conditions:
DNMT3A-related disorder. Also called: DNMT3A-related disorders; DNMT3A-related condition.

gnomAD v4.1: 5 of 1,608,486 alleles (0.00031%); highest among the groups gnomAD compares: African/African-American, 0.004%; no homozygotes.

Submission:

PreventionGenetics, part of Exact Sciences
Classification: Likely benign for DNMT3A-related condition. Last evaluated: 2021-10-28. Review status: no assertion criteria provided. Collection method: clinical testing. Allele origin: germline.
Comment: This variant is classified as likely benign based on ACMG/AMP sequence variant interpretation guidelines (Richards et al. 2015 PMID: 25741868, with internal and published modifications).